The following is an entry in ClinVar:

ClinVar aggregate classification (germline): Uncertain significance. Review status: criteria provided, multiple submitters, no conflicts (2 of 4 stars). 2 submissions from 2 submitters: Uncertain significance (2). Last evaluated 2024-03-06.

Conditions:
Familial thoracic aortic aneurysm and aortic dissection (TAAD). Also called: Thoracic aortic aneurysms and dissections. Identifiers: Orphanet 91387, MedGen C4707243, MONDO:0019625.

Allele frequency attached by ClinVar (database versions not stated): gnomAD exomes below 0.00001 and 0.00001.
gnomAD v4.1: 6 of 1,551,818 alleles (0.00039%); highest among the groups gnomAD compares: South Asian, 0.0071%; no homozygotes.

Submissions (2):

Color Diagnostics, LLC DBA Color Health
Classification: Uncertain significance for Familial thoracic aortic aneurysm and aortic dissection. Last evaluated: 2024-03-06. Review status: criteria provided, single submitter. Criteria: ACMG Guidelines, 2015. Collection method: clinical testing. Allele origin: germline.
Comment: This missense variant replaces arginine with glycine at codon 827 of the COL3A1 protein. Computational prediction suggests that this variant may have deleterious impact on protein structure and function (internally defined REVEL score threshold >= 0.7, PMID: 27666373). To our knowledge, functional studies have not been reported for this variant. This variant has not been reported in individuals affected with cardiovascular disorders in the literature. This variant has been identified in 1/156800 chromosomes in the general population by the Genome Aggregation Database (gnomAD). The available evidence is insufficient to determine the role of this variant in disease conclusively. Therefore, this variant is classified as a Variant of Uncertain Significance.

GeneDx
Classification: Uncertain significance. Last evaluated: 2020-11-09. Review status: criteria provided, single submitter. Criteria: GeneDx Variant Classification Process June 2021. Collection method: clinical testing. Allele origin: germline. Affected: yes.
Comment: Has not been previously published as pathogenic or benign to our knowledge; Occurs in the triple helical domain at the Y position in the canonical Gly-X-Y repeat. Although this variant may have an effect on normal protein folding and function, missense substitution at the Y position is not a common mechanism of disease (Stenson et al., 2014); In silico analysis supports that this missense variant has a deleterious effect on protein structure/function; Not observed at a significant frequency in large population cohorts (Lek et al., 2016)

NM_000090.4(COL3A1):c.2479A>G (p.Arg827Gly)

Gene: COL3A1 (collagen type III alpha 1 chain; plus strand). Cytogenetic location: 2q32.2.
Variant type: single nucleotide variant.
Coding change: c.2479A>G on transcript NM_000090.4 (MANE Select); coding-DNA position 2479, A replaced by G.
Protein change: p.Arg827Gly; replaces arginine 827 with glycine.
Molecular consequence: missense variant.
Genome position (GRCh38, 1-based): chr2:189,002,988, A>G. VCF-style: chr2-189002988-A-G. GRCh37 (hg19) VCF-style: chr2-189867714-A-G.
Other names: short protein forms R827G.
Identifiers: ClinVar variation 922202 (VCV000922202.6), dbSNP rs1309388302, ClinGen allele CA349842766.
Genomic context (GRCh38, chr2:189,002,988, plus strand): 5'-AGAGATTGCTGTTGTTGTTGCATGTAGGGACAGAATGGTGAACCTGGTGGTAAAGGAGAA[A>G]GAGGGGCTCCGGGTGAGAAAGGTGAAGGAGGCCCTCCTGGAGTTGCAGGACCCCCTGGAG-3'
Protein context (NP_000081.2, residues 817-837): QNGEPGGKGE[Arg827Gly]GAPGEKGEGG